The following is an entry in ClinVar:

ClinVar aggregate classification (germline): Pathogenic (1 of 4 stars; one submission).

Conditions:
Mucopolysaccharidosis type 7 (MPS7). Also called: BETA-GLUCURONIDASE DEFICIENCY; GUSB DEFICIENCY; SLY SYNDROME; MPS VII. Identifiers: Orphanet 584, MedGen C0085132, MONDO:0009662, OMIM 253220.

Submission:

Labcorp Genetics (formerly Invitae), Labcorp
Classification: Pathogenic for Mucopolysaccharidosis type 7. Last evaluated: 2025-09-27. Review status: criteria provided, single submitter. Criteria: Invitae Variant Classification Sherloc (09022015). Collection method: clinical testing. Allele origin: germline.
Comment: This sequence change creates a premature translational stop signal (p.Tyr532*) in the GUSB gene. It is expected to result in an absent or disrupted protein product. Loss-of-function variants in GUSB are known to be pathogenic (PMID: 19224584). This variant is not present in population databases (gnomAD no frequency). This variant has not been reported in the literature in individuals affected with GUSB-related conditions. For these reasons, this variant has been classified as Pathogenic.

Literature cited by the submitters: PubMed 19224584.

NM_000181.4(GUSB):c.1596T>G (p.Tyr532Ter)

Genes: GUSB (glucuronidase beta; minus strand), LOC126860055 (MED14-independent group 3 enhancer GRCh37_chr7:65432190-65433389; plus strand). Cytogenetic location: 7q11.21.
Variant type: single nucleotide variant.
Coding change: c.1596T>G on transcript NM_000181.4 (MANE Select); coding-DNA position 1596, T replaced by G.
Protein change: p.Tyr532Ter; replaces tyrosine 532 with a stop codon.
Molecular consequence: nonsense. On other transcripts: non-coding transcript variant (1).
Genome position (GRCh38, 1-based): chr7:65,967,788, A>C on the plus strand (T>G on the coding strand, the complement: GUSB is on the minus strand). VCF-style: chr7-65967788-A-C. GRCh37 (hg19) VCF-style: chr7-65432775-A-C.
Other names: c.1158T>G, p.Tyr386Ter (NM_001284290.2); c.1026T>G, p.Tyr342Ter (NM_001293104.2); c.939T>G, p.Tyr313Ter (NM_001293105.2); short protein forms Y532*, Y313*, Y342*, Y386*.
Identifiers: ClinVar variation 4727909 (VCV004727909.1).